The following is an entry in ClinVar:

ClinVar aggregate classification (germline): Likely benign. Review status: criteria provided, single submitter (1 of 4 stars). 2 submissions from 2 submitters: Likely benign (1). 1 of the submissions does not count toward it. Last evaluated 2022-08-04.

Conditions:
GREM1-related disorder. Also called: GREM1-related condition.
Hereditary cancer-predisposing syndrome. Also called: Hereditary Cancer Syndrome; Hereditary neoplastic syndrome; Tumor predisposition; Neoplastic Syndromes, Hereditary. Identifiers: Orphanet 140162, MedGen C0027672, MeSH D009386, MONDO:0015356.

gnomAD v4.1: 7 of 1,613,958 alleles (0.00043%); highest among the groups gnomAD compares: African/African-American, 0.004%; no homozygotes.

Submissions (2):

Ambry Genetics
Classification: Likely benign for Hereditary cancer-predisposing syndrome. Last evaluated: 2022-08-04. Review status: criteria provided, single submitter. Criteria: Ambry Variant Classification Scheme 2023. Collection method: clinical testing. Allele origin: germline.

PreventionGenetics, part of Exact Sciences
Classification: Likely benign for GREM1-related condition. Last evaluated: 2024-06-17. Review status: no assertion criteria provided. Collection method: clinical testing. Allele origin: germline. Not counted in ClinVar's aggregate classification.
Comment: This variant is classified as likely benign based on ACMG/AMP sequence variant interpretation guidelines (Richards et al. 2015 PMID: 25741868, with internal and published modifications).

NM_013372.7(GREM1):c.252G>A (p.Thr84=)

Gene: GREM1 (gremlin 1, DAN family BMP antagonist; plus strand). Cytogenetic location: 15q13.3.
Variant type: single nucleotide variant.
Coding change: c.252G>A on transcript NM_013372.7 (MANE Select); coding-DNA position 252, G replaced by A.
Protein change: p.Thr84=; no amino-acid change (threonine 84 retained).
Molecular consequence: synonymous variant.
Genome position (GRCh38, 1-based): chr15:32,730,942, G>A. VCF-style: chr15-32730942-G-A. GRCh37 (hg19) VCF-style: chr15-33023143-G-A.
Other names: c.42G>A, p.Thr14= (NM_001191322.2); c.129G>A, p.Thr43= (NM_001191323.2); c.252G>A, p.Thr84= (NM_001368719.1).
Identifiers: ClinVar variation 1792671 (VCV001792671.3), dbSNP rs775753186, ClinGen allele CA7456139.